The following is an entry in ClinVar:

ClinVar aggregate classification (germline): Uncertain significance (1 of 4 stars; one submission).

Submission:

GeneDx
Classification: Uncertain significance. Last evaluated: 2024-02-28. Review status: criteria provided, single submitter. Criteria: GeneDx Variant Classification Process June 2021. Collection method: clinical testing. Allele origin: germline. Affected: yes.
Comment: Not observed at significant frequency in large population cohorts (gnomAD); In silico analysis supports that this missense variant has a deleterious effect on protein structure/function; Has not been previously published as pathogenic or benign to our knowledge

NM_017934.7(PHIP):c.612C>A (p.Asp204Glu)

Gene: PHIP (pleckstrin homology domain interacting protein; minus strand). Cytogenetic location: 6q14.1.
Variant type: single nucleotide variant.
Coding change: c.612C>A on transcript NM_017934.7 (MANE Select); coding-DNA position 612, C replaced by A.
Protein change: p.Asp204Glu; replaces aspartic acid 204 with glutamic acid.
Molecular consequence: missense variant.
Genome position (GRCh38, 1-based): chr6:79,026,153, G>T on the plus strand (C>A on the coding strand, the complement: PHIP is on the minus strand). VCF-style: chr6-79026153-G-T. GRCh37 (hg19) VCF-style: chr6-79735870-G-T.
Other names: short protein forms D204E.
Identifiers: ClinVar variation 3373509 (VCV003373509.1).